The following is an entry in ClinVar:

ClinVar aggregate classification (germline): Uncertain significance (1 of 4 stars; one submission).

Submission:

GeneDx
Classification: Uncertain significance. Last evaluated: 2019-03-28. Review status: criteria provided, single submitter. Criteria: GeneDx Variant Classification Process June 2021. Collection method: clinical testing. Allele origin: germline. Affected: yes.
Comment: Has not been previously published as pathogenic or benign to our knowledge; Not observed in large population cohorts (Lek et al., 2016); In silico analysis, which includes protein predictors and evolutionary conservation, supports that this variant does not alter protein structure/function

NM_001130987.2(DYSF):c.4651G>A (p.Val1551Met)

Gene: DYSF (dysferlin; plus strand). Cytogenetic location: 2p13.2.
Variant type: single nucleotide variant.
Coding change: c.4651G>A on transcript NM_001130987.2 (MANE Select); coding-DNA position 4651, G replaced by A.
Protein change: p.Val1551Met; replaces valine 1551 with methionine.
Molecular consequence: missense variant.
Genome position (GRCh38, 1-based): chr2:71,656,186, G>A. VCF-style: chr2-71656186-G-A. GRCh37 (hg19) VCF-style: chr2-71883316-G-A.
Other names: c.4537G>A, p.Val1513Met (NM_001130455.2); c.4492G>A, p.Val1498Met (NM_001130976.2); c.4555G>A, p.Val1519Met (NM_001130977.2); c.4597G>A, p.Val1533Met (NM_001130978.2); c.4627G>A, p.Val1543Met (NM_001130979.2); c.4585G>A, p.Val1529Met (NM_001130980.2); c.4648G>A, p.Val1550Met (NM_001130981.2); c.4630G>A, p.Val1544Met (NM_001130982.2); and 5 more; short protein forms V1498M, V1499M, V1512M, V1513M, V1519M, V1520M, V1529M, V1530M.
Identifiers: ClinVar variation 1308419 (VCV001308419.2), dbSNP rs2094766224, ClinGen allele CA347219348.